The following is an entry in ClinVar:

ClinVar aggregate classification (germline): Uncertain significance. Review status: criteria provided, multiple submitters, no conflicts (2 of 4 stars). 2 submissions from 2 submitters: Uncertain significance (2). Last evaluated 2025-04-09.

Conditions:
Desmin-related myofibrillar myopathy (MFM1). Also called: MYOFIBRILLAR MYOPATHY WITH ARRHYTHMOGENIC RIGHT VENTRICULAR CARDIOMYOPATHY; DESMIN-RELATED MYOPATHY WITH ARRHYTHMOGENIC RIGHT VENTRICULAR CARDIOMYOPATHY; Desminopathy; Desmin related myopathy (former name); Desmin storage myopathy (former name); Myofibrillar myopathy 1. Identifiers: Orphanet 363543, Orphanet 98909, MedGen C1832370, MONDO:0011076, OMIM 601419.
Cardiovascular phenotype. Identifiers: MedGen CN230736.

Allele frequency attached by ClinVar (database versions not stated): gnomAD exomes below 0.00001; TOPMed below 0.00001.
gnomAD v4.1: 1 of 1,613,480 alleles (0.000062%); highest among the groups gnomAD compares: Non-Finnish European, 0.000085%; no homozygotes.

Submissions (2):

Molecular Diagnostic Laboratory for Inherited Cardiovascular Disease, Montreal Heart Institute
Classification: Uncertain significance for Cardiovascular phenotype. Last evaluated: 2025-04-09. Review status: criteria provided, single submitter. Criteria: ACMG Guidelines, 2015. Collection method: clinical testing. Allele origin: germline. Affected: yes.

Labcorp Genetics (formerly Invitae), Labcorp
Classification: Uncertain significance for Desmin-related myofibrillar myopathy. Last evaluated: 2021-12-07. Review status: criteria provided, single submitter. Criteria: Invitae Variant Classification Sherloc (09022015). Collection method: clinical testing. Allele origin: germline.
Comment: This variant is not present in population databases (gnomAD no frequency). This sequence change replaces cysteine, which is neutral and slightly polar, with arginine, which is basic and polar, at codon 333 of the DES protein (p.Cys333Arg). This variant has not been reported in the literature in individuals affected with DES-related conditions. Algorithms developed to predict the effect of missense changes on protein structure and function are either unavailable or do not agree on the potential impact of this missense change (SIFT: "Deleterious"; PolyPhen-2: "Possibly Damaging"; Align-GVGD: "Class C15"). In summary, the available evidence is currently insufficient to determine the role of this variant in disease. Therefore, it has been classified as a Variant of Uncertain Significance.

NM_001927.4(DES):c.997T>C (p.Cys333Arg)

Gene: DES (desmin; plus strand). Cytogenetic location: 2q35.
Variant type: single nucleotide variant.
Coding change: c.997T>C on transcript NM_001927.4 (MANE Select); coding-DNA position 997, T replaced by C.
Protein change: p.Cys333Arg; replaces cysteine 333 with arginine.
Molecular consequence: missense variant. On other transcripts: intron variant (1).
Genome position (GRCh38, 1-based): chr2:219,420,927, T>C. VCF-style: chr2-219420927-T-C. GRCh37 (hg19) VCF-style: chr2-220285649-T-C.
Other names: c.994T>C, p.Cys332Arg (NM_001382708.1); c.997T>C, p.Cys333Arg (NM_001382710.1, NM_001382711.1, NM_001382712.1); c.727T>C, p.Cys243Arg (NM_001382713.1); c.736-557T>C (NM_001382709.1); short protein forms C332R, C333R, C243R.
Identifiers: ClinVar variation 2049195 (VCV002049195.5), dbSNP rs1444714450, ClinGen allele CA350693152.
Genomic context (GRCh38, chr2:219,420,927, plus strand): 5'-GCCCTGCGCCAGGCCAAGCAGGAGATGATGGAATACCGACACCAGATCCAGTCCTACACC[T>C]GCGAGATTGACGCCCTGAAGGGCACTGTGAGTCCCTGCCCACCTGGCCAGGCCCTGCCCC-3'
Protein context (NP_001918.3, residues 323-343): EYRHQIQSYT[Cys333Arg]EIDALKGTND